The following is an entry in ClinVar:

NM_000361.3(THBD):c.228C>T (p.Asn76=)

Gene: THBD (thrombomodulin; minus strand). Cytogenetic location: 20p11.21.
Variant type: single nucleotide variant.
Coding change: c.228C>T on transcript NM_000361.3 (MANE Select); coding-DNA position 228, C replaced by T.
Protein change: p.Asn76=; no amino-acid change (asparagine 76 retained).
Molecular consequence: synonymous variant.
Genome position (GRCh38, 1-based): chr20:23,049,277, G>A on the plus strand (C>T on the coding strand, the complement: THBD is on the minus strand). VCF-style: chr20-23049277-G-A. GRCh37 (hg19) VCF-style: chr20-23029914-G-A.
Identifiers: ClinVar variation 1711539 (VCV001711539.36), dbSNP rs1383863476, ClinGen allele CA510161048.

ClinVar aggregate classification (germline): Likely benign. Review status: criteria provided, multiple submitters, no conflicts (2 of 4 stars). 3 submissions from 3 submitters: Likely benign (3). Last evaluated 2024-06-24.

Allele frequency attached by ClinVar (database versions not stated): gnomAD 0.00001; gnomAD exomes 0.00001; TOPMed 0.00001.
gnomAD v4.1: 16 of 1,377,814 alleles (0.0012%); highest among the groups gnomAD compares: Middle Eastern, 0.024%; no homozygotes.

Submissions (3):

Blueprint Genetics
Classification: Likely benign. Last evaluated: 2024-06-24. Review status: criteria provided, single submitter. Criteria: ACMG Guidelines, 2015. Collection method: clinical testing. Allele origin: germline.

Labcorp Genetics (formerly Invitae), Labcorp
Classification: Likely benign. Last evaluated: 2024-05-23. Review status: criteria provided, single submitter. Criteria: Invitae Variant Classification Sherloc (09022015). Collection method: clinical testing. Allele origin: germline.

CeGaT Center for Human Genetics Tuebingen
Classification: Likely benign. Last evaluated: 2022-08-01. Review status: criteria provided, single submitter. Criteria: CeGaT Center For Human Genetics Tuebingen Variant Classification Criteria Version 2. Collection method: clinical testing. Allele origin: germline. Affected: yes. Observed: 1 variant allele.
Comment: THBD: BP4, BP7